The following is an entry in ClinVar:

ClinVar aggregate classification (germline): Uncertain significance. Review status: criteria provided, multiple submitters, no conflicts (2 of 4 stars). 2 submissions from 2 submitters: Uncertain significance (2). Last evaluated 2022-08-25.

Conditions:
Short-rib thoracic dysplasia 10 with or without polydactyly (SRTD10). Identifiers: Orphanet 474, MedGen C3810175, MONDO:0014284, OMIM 615630.
Retinitis pigmentosa 71 (RP71). Identifiers: Orphanet 791, MedGen C4225342, MONDO:0014618, OMIM 616394.

Allele frequency attached by ClinVar (database versions not stated): gnomAD exomes below 0.00001.
gnomAD v4.1: 5 of 1,614,208 alleles (0.00031%); highest among the groups gnomAD compares: Non-Finnish European, 0.00042%; no homozygotes.

Submissions (2):

Blueprint Genetics
Classification: Uncertain significance. Last evaluated: 2022-08-25. Review status: criteria provided, single submitter. Criteria: ACMG Guidelines, 2015. Collection method: clinical testing. Allele origin: germline.

Labcorp Genetics (formerly Invitae), Labcorp
Classification: Uncertain significance for Retinitis pigmentosa 71; Short-rib thoracic dysplasia 10 with or without polydactyly. Last evaluated: 2022-07-03. Review status: criteria provided, single submitter. Criteria: Invitae Variant Classification Sherloc (09022015). Collection method: clinical testing. Allele origin: germline.
Comment: In summary, the available evidence is currently insufficient to determine the role of this variant in disease. Therefore, it has been classified as a Variant of Uncertain Significance. This sequence change replaces isoleucine, which is neutral and non-polar, with methionine, which is neutral and non-polar, at codon 770 of the IFT172 protein (p.Ile770Met). This variant is present in population databases (rs747166388, gnomAD 0.0009%). This variant has not been reported in the literature in individuals affected with IFT172-related conditions. ClinVar contains an entry for this variant (Variation ID: 1387851). Algorithms developed to predict the effect of missense changes on protein structure and function (SIFT, PolyPhen-2, Align-GVGD) all suggest that this variant is likely to be tolerated.

NM_015662.3(IFT172):c.2310C>G (p.Ile770Met)

Gene: IFT172 (intraflagellar transport 172; minus strand). Cytogenetic location: 2p23.3.
Variant type: single nucleotide variant.
Coding change: c.2310C>G on transcript NM_015662.3 (MANE Select); coding-DNA position 2310, C replaced by G.
Protein change: p.Ile770Met; replaces isoleucine 770 with methionine.
Molecular consequence: missense variant.
Genome position (GRCh38, 1-based): chr2:27,461,401, G>C on the plus strand (C>G on the coding strand, the complement: IFT172 is on the minus strand). VCF-style: chr2-27461401-G-C. GRCh37 (hg19) VCF-style: chr2-27684268-G-C.
Other names: short protein forms I770M.
Identifiers: ClinVar variation 1387851 (VCV001387851.7), dbSNP rs747166388, ClinGen allele CA1580339.